The following is an entry in ClinVar:

ClinVar aggregate classification (germline): Uncertain significance. Review status: criteria provided, multiple submitters, no conflicts (2 of 4 stars). 4 submissions from 4 submitters: Uncertain significance (4). Last evaluated 2026-06-29.

Conditions:
Cardiovascular phenotype. Identifiers: MedGen CN230736.
Autosomal recessive limb-girdle muscular dystrophy type 2J (LGMDR10). Also called: Limb-girdle muscular dystrophy, type 2J; MUSCULAR DYSTROPHY, LIMB-GIRDLE, AUTOSOMAL RECESSIVE 10. Identifiers: Orphanet 140922, MedGen C1837342, MONDO:0012127, OMIM 608807.
Dilated cardiomyopathy 1G (CMD1G). Identifiers: Orphanet 154, MedGen C1858763, MONDO:0011400, OMIM 604145.
TTN-related disorder. Also called: TTN-related condition; TTN-related disease; TTN-related disorders.
Hypertrophic cardiomyopathy 9. Also called: Familial hypertrophic cardiomyopathy 9. Identifiers: MedGen C1861065, MONDO:0013412, OMIM 613765.
Myopathy, myofibrillar, 9, with early respiratory failure (MFM9). Also called: Hereditary myopathy with early respiratory failure; MYOPATHY, PROXIMAL, WITH EARLY RESPIRATORY MUSCLE INVOLVEMENT; EDSTROM MYOPATHY; Myopathy, distal, with early respiratory failure, autosomal dominant. Identifiers: Orphanet 178464, Orphanet 34521, MedGen C1863599, MONDO:0011362, OMIM 603689.
Tibial muscular dystrophy (TMD). Also called: Udd Distal Myopathy – Tibial Muscular Dystrophy; UDD MYOPATHY; Tibial muscular dystrophy, tardive. Identifiers: Orphanet 609, MedGen C1838244, MONDO:0010870, OMIM 600334.
Early-onset myopathy with fatal cardiomyopathy (CMYO5). Also called: Salih Myopathy; CONGENITAL MYOPATHY 5 WITH CARDIOMYOPATHY. Identifiers: Orphanet 289377, MedGen C2673677, MONDO:0012714, OMIM 611705. Disease mechanism: loss of function.

Allele frequency attached by ClinVar (database versions not stated): gnomAD exomes 0.00002; gnomAD 0.00006; TOPMed 0.00012.
gnomAD v4.1: 20 of 1,612,178 alleles (0.0012%); highest among the groups gnomAD compares: Admixed American, 0.015%; 1 homozygote.

Submissions (4):

PreventionGenetics, part of Exact Sciences
Classification: Uncertain significance for TTN-related condition. Last evaluated: 2026-06-29. Review status: criteria provided, single submitter. Criteria: ACMG Guidelines, 2015. Collection method: clinical testing. Allele origin: germline.
Comment: The TTN c.53744G>A variant is predicted to result in the amino acid substitution p.Arg17915Gln. To our knowledge, this variant has not been reported in the literature. This variant is reported in 0.0065% of alleles in individuals of South Asian descent in gnomAD. At this time, the clinical significance of this variant is uncertain due to the absence of conclusive functional and genetic evidence.

Fulgent Genetics
Classification: Uncertain significance for Tibial muscular dystrophy; Myopathy, myofibrillar, 9, with early respiratory failure; Dilated cardiomyopathy 1G; Autosomal recessive limb-girdle muscular dystrophy type 2J; Early-onset myopathy with fatal cardiomyopathy; Hypertrophic cardiomyopathy 9. Last evaluated: 2021-09-02. Review status: criteria provided, single submitter. Criteria: ACMG Guidelines, 2015. Collection method: clinical testing. Allele origin: unknown.

Ambry Genetics
Classification: Uncertain significance for Cardiovascular phenotype. Last evaluated: 2017-09-19. Review status: criteria provided, single submitter. Criteria: Ambry Variant Classification Scheme 2023. Collection method: clinical testing. Allele origin: germline.
Comment: The p.R8850Q variant (also known as c.26549G>A), located in coding exon 106 of the TTN gene, results from a G to A substitution at nucleotide position 26549. The arginine at codon 8850 is replaced by glutamine, an amino acid with highly similar properties. This amino acid position is not well conserved in available vertebrate species, and glutamine is the reference amino acid in other vertebrate species. In addition, this alteration is predicted to be tolerated by in silico analysis. Since supporting evidence is limited at this time, the clinical significance of this alteration remains unclear.

Labcorp Genetics (formerly Invitae), Labcorp
Classification: Uncertain significance for Dilated cardiomyopathy 1G; Autosomal recessive limb-girdle muscular dystrophy type 2J. Last evaluated: 2017-06-15. Review status: criteria provided, single submitter. Criteria: Invitae Variant Classification Sherloc (09022015). Collection method: clinical testing. Allele origin: germline.

NM_001267550.2(TTN):c.53744G>A (p.Arg17915Gln)

Genes: TTN (titin; minus strand), TTN-AS1 (TTN antisense RNA 1; plus strand). Cytogenetic location: 2q31.2.
Variant type: single nucleotide variant.
Coding change: c.53744G>A on transcript NM_001267550.2 (MANE Select); coding-DNA position 53744, G replaced by A.
Protein change: p.Arg17915Gln; replaces arginine 17915 with glutamine.
Molecular consequence: missense variant.
Genome position (GRCh38, 1-based): chr2:178,605,551, C>T on the plus strand (G>A on the coding strand, the complement: TTN is on the minus strand). VCF-style: chr2-178605551-C-T. GRCh37 (hg19) VCF-style: chr2-179470278-C-T.
Other names: c.48821G>A, p.Arg16274Gln (NM_001256850.1); c.26549G>A, p.Arg8850Gln (NM_003319.4); c.46040G>A, p.Arg15347Gln (NM_133378.4); c.26924G>A, p.Arg8975Gln (NM_133432.3); c.27125G>A, p.Arg9042Gln (NM_133437.4); short protein forms R17915Q, R16274Q, R8850Q, R8975Q, R9042Q, R15347Q.
Identifiers: ClinVar variation 467257 (VCV000467257.7), dbSNP rs758896047, ClinGen allele CA60980808.
Genomic context (GRCh38, chr2:178,605,551, plus strand): 5'-AACTCATACATTTGGTGTTCATCAAGATTTTCAACCAGAAAAGATGTGGTTGGGCAGAGT[C>T]GCTTGTTAACTCTTTCAAAGTCAGGTTTGTCATGACGCCGTTTTTCAATGATATATCCTT-3'
Protein context (NP_001254479.2, residues 17905-17925): DKPDFERVNK[Arg17915Gln]LCPTTSFLVE